The following is an entry in ClinVar:

ClinVar aggregate classification (germline): Uncertain significance (0 of 4 stars; one submission).

Conditions:
GNAS-related disorder. Identifiers: MedGen CN380105.

Submission:

PreventionGenetics, part of Exact Sciences
Classification: Uncertain significance for GNAS-related condition. Last evaluated: 2024-02-07. Review status: no assertion criteria provided. Collection method: clinical testing. Allele origin: germline.
Comment: The GNAS c.658C>T variant is predicted to result in the amino acid substitution p.His220Tyr. To our knowledge, this variant has not been reported in the literature or in a large population database, indicating this variant is rare. At this time, the clinical significance of this variant is uncertain due to the absence of conclusive functional and genetic evidence.

NM_000516.7(GNAS):c.658C>T (p.His220Tyr)

Gene: GNAS (GNAS complex locus; plus strand). Cytogenetic location: 20q13.32.
Variant type: single nucleotide variant.
Coding change: c.658C>T on transcript NM_000516.7 (MANE Select); coding-DNA position 658, C replaced by T.
Protein change: p.His220Tyr; replaces histidine 220 with tyrosine.
Molecular consequence: missense variant. On other transcripts: 3 prime UTR variant (2).
Genome position (GRCh38, 1-based): chr20:58,909,422, C>T. VCF-style: chr20-58909422-C-T. GRCh37 (hg19) VCF-style: chr20-57484477-C-T.
Other names: c.661C>T, p.His221Tyr (NM_001077488.5); c.613C>T, p.His205Tyr (NM_001077489.4); c.*519C>T (NM_001077490.3); c.481C>T, p.His161Tyr (NM_001309840.2, NM_001309861.2); c.562C>T, p.His188Tyr (NM_001410912.1); c.2542C>T, p.His848Tyr (NM_001410913.1); c.*564C>T (NM_016592.5); c.2587C>T, p.His863Tyr (NM_080425.4); and 1 more; short protein forms H161Y, H188Y, H205Y, H206Y, H220Y, H221Y, H848Y, H863Y.
Identifiers: ClinVar variation 3349179 (VCV003349179.1).